The following is an entry in ClinVar:

ClinVar aggregate classification (germline): Uncertain significance. Review status: criteria provided, multiple submitters, no conflicts (2 of 4 stars). 3 submissions from 3 submitters: Uncertain significance (2). 1 of the submissions does not count toward it. Last evaluated 2024-09-22.

Conditions:
Pontocerebellar hypoplasia type 1B. Also called: EXOSC3 Pontocerebellar Hypoplasia. Identifiers: Orphanet 2254, MedGen C3553449, MONDO:0013853, OMIM 614678.

Allele frequency attached by ClinVar (database versions not stated): gnomAD exomes 0.00001; TOPMed 0.00001.

Submissions (3):

Genomic Medicine Center of Excellence, King Faisal Specialist Hospital and Research Centre
Classification: Uncertain significance for Pontocerebellar hypoplasia type 1B. Last evaluated: 2024-09-22. Review status: criteria provided, single submitter. Criteria: ACMG Guidelines, 2015. Collection method: clinical testing. Allele origin: germline.

Women's Health and Genetics/Laboratory Corporation of America, LabCorp
Classification: Uncertain significance. Last evaluated: 2023-05-25. Review status: criteria provided, single submitter. Criteria: LabCorp Variant Classification Summary - May 2015. Collection method: clinical testing. Allele origin: germline.
Comment: Variant summary: EXOSC3 c.415G>C (p.Ala139Pro) results in a non-conservative amino acid change located in the Rrp40, S1 domain (IPR037319) of the encoded protein sequence. Five of five in-silico tools predict a damaging effect of the variant on protein function. The variant allele was found at a frequency of 8e-06 in 251280 control chromosomes (gnomAD). The available data on variant occurrences in the general population are insufficient to allow any conclusion about variant significance. c.415G>C has been reported in the literature in at least one compound heterozygous individual affected with Pontocerebellar Hypoplasia, Type 1B (Wan_2012). These data do not allow any conclusion about variant significance. To our knowledge, no experimental evidence demonstrating an impact on protein function has been reported. The following publication has been ascertained in the context of this evaluation (PMID: 22544365). No clinical diagnostic laboratories have submitted clinical-significance assessments for this variant to ClinVar after 2014. Based on the evidence outlined above, the variant was classified as uncertain significance.

OMIM
Classification: Pathogenic for PONTOCEREBELLAR HYPOPLASIA, TYPE 1B. Last evaluated: 2012-04-29. Review status: no assertion criteria provided. Collection method: literature only. Allele origin: germline. Not counted in ClinVar's aggregate classification.

Literature cited by the submitters: PubMed 22544365 (cited by Women's Health and Genetics/Laboratory Corporation of America, LabCorp and OMIM).

NM_016042.4(EXOSC3):c.415G>C (p.Ala139Pro)

Gene: EXOSC3 (exosome component 3; minus strand). Cytogenetic location: 9p13.2.
Variant type: single nucleotide variant.
Coding change: c.415G>C on transcript NM_016042.4 (MANE Select); coding-DNA position 415, G replaced by C.
Protein change: p.Ala139Pro; replaces alanine 139 with proline.
Molecular consequence: missense variant.
Genome position (GRCh38, 1-based): chr9:37,783,973, C>G on the plus strand (G>C on the coding strand, the complement: EXOSC3 is on the minus strand). VCF-style: chr9-37783973-C-G. GRCh37 (hg19) VCF-style: chr9-37783970-C-G.
Other names: c.415G>C, p.Ala139Pro (NM_001002269.2); c.415G>C (NM_016042.3); short protein forms A139P.
Identifiers: ClinVar variation 31689 (VCV000031689.3), dbSNP rs387907195, ClinGen allele CA260045.